The following is an entry in ClinVar:

NM_030962.4(SBF2):c.4571-6C>T

Genes: SBF2 (SET binding factor 2; minus strand), SBF2-AS1 (SBF2 antisense RNA 1; plus strand), LOC105369149 (uncharacterized LOC105369149; plus strand). Cytogenetic location: 11p15.4.
Variant type: single nucleotide variant.
Coding change: c.4571-6C>T on transcript NM_030962.4 (MANE Select); 6 bases into the intron before coding-DNA position 4571, C replaced by T.
Molecular consequence: intron variant.
Genome position (GRCh38, 1-based): chr11:9,790,689, G>A on the plus strand (C>T on the coding strand, the complement: SBF2 is on the minus strand). VCF-style: chr11-9790689-G-A. GRCh37 (hg19) VCF-style: chr11-9812236-G-A.
Other names: p.?; c.4442-6C>T (NM_001386342.1); c.4667-6C>T (NM_001386339.1).
Identifiers: ClinVar variation 261940 (VCV000261940.26), dbSNP rs2645029, ClinGen allele CA5880938.
Genomic context (GRCh38, chr11:9,790,689, plus strand): 5'-CAAATACAGACTCCTTTTTTGGCATGCTTTTCTCCTTTATCATCAAATAAAGTTCCTGTA[G>A]ATTAAAAAAATCCAACAAAACAAAATTAAATAAATTCACACTTTGCCAAAAAACGTATGA-3'

ClinVar aggregate classification (germline): Benign. Review status: criteria provided, multiple submitters, no conflicts (2 of 4 stars). 12 submissions from 12 submitters: Benign (10). 2 of the submissions do not count toward it. Last evaluated 2026-02-04.

Conditions:
Charcot-Marie-Tooth disease type 4B2. Also called: Charcot-Marie-Tooth Neuropathy Type 4B2; CHARCOT-MARIE-TOOTH DISEASE, WITH FOCALLY FOLDED MYELIN SHEATHS, AUTOSOMAL RECESSIVE, TYPE 4B2; CMT 4B2; CHARCOT-MARIE-TOOTH DISEASE, DEMYELINATING, TYPE 4B2. Identifiers: Orphanet 99956, MedGen C1858278, MONDO:0011475, OMIM 604563.
Charcot-Marie-Tooth disease. Also called: Charcot-Marie-Tooth Hereditary Neuropathy; Charcot-Marie-Tooth Neuropathy. Identifiers: Orphanet 166, MedGen C0007959, MONDO:0015626.
Charcot-Marie-Tooth disease type 4. Also called: Charcot-Marie-Tooth, Type 4; Charcot-Marie-Tooth disease, type IV. Identifiers: Orphanet 64749, MedGen C4082197, MONDO:0018995.

Allele frequency attached by ClinVar (database versions not stated): 1000 Genomes Project 0.80272; 1000 Genomes Project 30x 0.80731; ExAC 0.85836; gnomAD exomes 0.86077; TOPMed 0.86786; gnomAD 0.87373 and 0.88084; ESP Exome Variant Server 0.88526.
gnomAD v4.1: 1,374,724 of 1,566,904 alleles (88%); highest among the groups gnomAD compares: Non-Finnish European, 89%; 605,599 homozygotes.

Submissions (12):

Labcorp Genetics (formerly Invitae), Labcorp
Classification: Benign for Charcot-Marie-Tooth disease type 4. Last evaluated: 2026-02-04. Review status: criteria provided, single submitter. Criteria: Invitae Variant Classification Sherloc (09022015). Collection method: clinical testing. Allele origin: germline.

Blueprint Genetics
Classification: Benign. Last evaluated: 2024-11-27. Review status: criteria provided, single submitter. Criteria: ACMG Guidelines, 2015. Collection method: clinical testing. Allele origin: germline.

Mayo Clinic Laboratories, Mayo Clinic
Classification: Benign. Last evaluated: 2022-12-19. Review status: criteria provided, single submitter. Criteria: ACMG Guidelines, 2015. Collection method: clinical testing. Allele origin: germline. Observed: 2,063 variant alleles.

Genome-Nilou Lab
Classification: Benign for Charcot-Marie-Tooth disease type 4B2. Last evaluated: 2021-11-07. Review status: criteria provided, single submitter. Criteria: ACMG Guidelines, 2015. Collection method: clinical testing. Allele origin: germline. Affected: no.

Illumina Laboratory Services, Illumina
Classification: Benign for Charcot-Marie-Tooth disease type 4B2. Last evaluated: 2018-01-12. Review status: criteria provided, single submitter. Criteria: ICSL Variant Classification Criteria 13 December 2019. Collection method: clinical testing. Allele origin: germline.
Comment: This variant was observed in the ICSL laboratory as part of a predisposition screen in an ostensibly healthy population. It had not been previously curated by ICSL or reported in the Human Gene Mutation Database (HGMD: prior to June 1st, 2018), and was therefore a candidate for classification through an automated scoring system. Utilizing variant allele frequency, disease prevalence and penetrance estimates, and inheritance mode, an automated score was calculated to assess if this variant is too frequent to cause the disease. Based on the score and internal cut-off values, a variant classified as benign is not then subjected to further curation. The score for this variant resulted in a classification of benign for this disease.

Athena Diagnostics
Classification: Benign. Last evaluated: 2017-07-12. Review status: criteria provided, single submitter. Criteria: Athena Diagnostics Criteria. Collection method: clinical testing. Allele origin: germline.

GeneDx
Classification: Benign. Last evaluated: 2015-03-03. Review status: criteria provided, single submitter. Criteria: GeneDx Variant Classification Process June 2021. Collection method: clinical testing. Allele origin: germline. Affected: yes.

Breakthrough Genomics
Classification: Benign. Review status: criteria provided, single submitter. Criteria: ACMG Guidelines, 2015. Collection method: not provided. Allele origin: germline. Inheritance: Autosomal recessive inheritance. Affected: yes.

Molecular Genetics Laboratory, London Health Sciences Centre
Classification: Benign for Charcot-Marie-Tooth disease. Review status: criteria provided, single submitter. Criteria: ACMG Guidelines, 2015. Collection method: clinical testing. Allele origin: germline. Affected: yes.

PreventionGenetics, part of Exact Sciences
Classification: Benign. Review status: criteria provided, single submitter. Criteria: ACMG Guidelines, 2015. Collection method: clinical testing. Allele origin: germline.

Clinical Genetics, Academic Medical Center
Classification: Benign. Review status: no assertion criteria provided. Collection method: clinical testing. Allele origin: germline. Affected: yes. Study: VKGL Data-share Consensus. Not counted in ClinVar's aggregate classification.

Diagnostic Laboratory, Department of Genetics, University Medical Center Groningen
Classification: Benign for Charcot-Marie-Tooth disease type 4B2. Review status: no assertion criteria provided. Collection method: clinical testing. Allele origin: germline. Affected: yes. Study: VKGL Data-share Consensus. Not counted in ClinVar's aggregate classification.